The following is an entry in ClinVar:

NM_000159.4(GCDH):c.852+5G>A

Gene: GCDH (glutaryl-CoA dehydrogenase; plus strand). Cytogenetic location: 19p13.13.
Variant type: single nucleotide variant.
Coding change: c.852+5G>A on transcript NM_000159.4 (MANE Select); 5 bases into the intron after coding-DNA position 852, G replaced by A.
Molecular consequence: intron variant.
Genome position (GRCh38, 1-based): chr19:12,896,426, G>A. VCF-style: chr19-12896426-G-A. GRCh37 (hg19) VCF-style: chr19-13007240-G-A.
Other names: c.852+5G>A (NM_013976.5).
Identifiers: ClinVar variation 328331 (VCV000328331.10), dbSNP rs886054243, ClinGen allele CA10652264.

ClinVar aggregate classification (germline): Uncertain significance. Review status: criteria provided, single submitter (1 of 4 stars). 2 submissions from 2 submitters: Uncertain significance (1). 1 of the submissions does not count toward it. Last evaluated 2022-07-21.

Conditions:
Glutaric aciduria, type 1. Also called: GA I; Glutaricacidemia Type 1; Glutaryl-CoA dehydrogenase deficiency; Glutaric acidemia type I; Glutaricaciduria, type I; Glutaric Acidemia Type 1. Identifiers: Orphanet 25, MedGen C0268595, MONDO:0009281, OMIM 231670.

Allele frequency attached by ClinVar (database versions not stated): gnomAD exomes below 0.00001 and 0.00003; TOPMed below 0.00001; gnomAD 0.00001.

Submissions (2):

Women's Health and Genetics/Laboratory Corporation of America, LabCorp
Classification: Uncertain significance. Last evaluated: 2022-07-21. Review status: criteria provided, single submitter. Criteria: LabCorp Variant Classification Summary - May 2015. Collection method: clinical testing. Allele origin: germline.
Comment: Variant summary: GCDH c.852+5G>A alters a conserved nucleotide located close to a canonical splice site and therefore could affect mRNA splicing, leading to a significantly altered protein sequence. Several computational tools predict a significant impact on normal splicing: Four predict the variant weakens a 5' donor site. However, these predictions have yet to be confirmed by functional studies. The variant allele was found at a frequency of 4.1e-06 in 243058 control chromosomes (gnomAD). The available data on variant occurrences in the general population are insufficient to allow any conclusion about variant significance. c.852+5G>A has been reported in the literature in an individual affected with Glutaric Acidemia Type 1 (Bijarnia_2008). These data do not allow any conclusion about variant significance. To our knowledge, no experimental evidence demonstrating an impact on protein function has been reported. Two ClinVar submitters (evaluation after 2014) cite the variant as uncertain significance. Based on the evidence outlined above, the variant was classified as uncertain significance.

Counsyl
Classification: Uncertain significance for Glutaric aciduria, type 1. Last evaluated: 2017-03-01. Review status: no assertion criteria provided. Collection method: clinical testing. Allele origin: unknown. Not counted in ClinVar's aggregate classification.

Literature cited by the submitters: PubMed 18683078 (cited by Women's Health and Genetics/Laboratory Corporation of America, LabCorp and Counsyl).